The following is an entry in ClinVar:

ClinVar aggregate classification (germline): Uncertain significance (1 of 4 stars; one submission).

gnomAD v4.1: 1 of 1,614,164 alleles (0.000062%); highest among the groups gnomAD compares: African/African-American, 0.0013%; no homozygotes.

Submission:

GeneDx
Classification: Uncertain significance. Last evaluated: 2024-07-17. Review status: criteria provided, single submitter. Criteria: GeneDx Variant Classification Process June 2021. Collection method: clinical testing. Allele origin: germline. Affected: yes.
Comment: Not observed at significant frequency in large population cohorts (gnomAD); In silico analysis supports that this missense variant has a deleterious effect on protein structure/function; Has not been previously published as pathogenic or benign to our knowledge

NM_000497.4(CYP11B1):c.475C>T (p.Pro159Ser)

Genes: CYP11B1 (cytochrome P450 family 11 subfamily B member 1; minus strand), LOC106799833 (CYP11B1 recombination region; plus strand). Cytogenetic location: 8q24.3.
Variant type: single nucleotide variant.
Coding change: c.475C>T on transcript NM_000497.4 (MANE Select); coding-DNA position 475, C replaced by T.
Protein change: p.Pro159Ser; replaces proline 159 with serine.
Molecular consequence: missense variant.
Genome position (GRCh38, 1-based): chr8:142,877,143, G>A on the plus strand (C>T on the coding strand, the complement: CYP11B1 is on the minus strand). VCF-style: chr8-142877143-G-A. GRCh37 (hg19) VCF-style: chr8-143958559-G-A.
Other names: c.475C>T, p.Pro159Ser (NM_001026213.1); short protein forms P159S.
Identifiers: ClinVar variation 3573601 (VCV003573601.1).